The following is an entry in ClinVar:

NM_000081.4(LYST):c.7018G>A (p.Val2340Ile)

Gene: LYST (lysosomal trafficking regulator; minus strand). Cytogenetic location: 1q42.3.
Variant type: single nucleotide variant.
Coding change: c.7018G>A on transcript NM_000081.4 (MANE Select); coding-DNA position 7018, G replaced by A.
Protein change: p.Val2340Ile; replaces valine 2340 with isoleucine.
Molecular consequence: missense variant.
Genome position (GRCh38, 1-based): chr1:235,757,322, C>T on the plus strand (G>A on the coding strand, the complement: LYST is on the minus strand). VCF-style: chr1-235757322-C-T. GRCh37 (hg19) VCF-style: chr1-235920622-C-T.
Other names: c.7018G>A (NM_000081.2); c.7018G>A, p.Val2340Ile (NM_001301365.1); short protein forms V2340I.
Identifiers: ClinVar variation 1044927 (VCV001044927.3), dbSNP rs540634120, ClinGen allele CA1466249.
Genomic context (GRCh38, chr1:235,757,322, plus strand): 5'-ATCTAGTATTTGCCCTTACTTTAATAACACCTTGTTGTATAGCTGGTGATGGGTGGTTAA[C>T]GAGGACCAAAAGTGTATCTGCTTGAATAAGCTTGTCCATCACATCTTCAAGCAAAACATC-3'
Protein context (NP_000072.2, residues 2330-2350): LIQADTLLVL[Val2340Ile]NHPSPAIQQG

ClinVar aggregate classification (germline): Conflicting classifications of pathogenicity. Review status: criteria provided, conflicting classifications (1 of 4 stars). 2 submissions from 2 submitters: Uncertain significance (1); Likely benign (1). Last evaluated 2023-12-27.

Conditions:
Inborn genetic diseases. Identifiers: MedGen C0950123, MeSH D030342.
Chédiak-Higashi syndrome (CHS). Also called: Chediak-Higashi Syndrome. Identifiers: Orphanet 167, MedGen C0007965, MONDO:0008963, OMIM 214500.

Allele frequency attached by ClinVar (database versions not stated): gnomAD exomes 0.00002; TOPMed 0.00002; ExAC 0.00005; 1000 Genomes Project 30x 0.00031; 1000 Genomes Project 0.00040.
gnomAD v4.1: 30 of 1,613,412 alleles (0.0019%); highest among the groups gnomAD compares: South Asian, 0.016%; no homozygotes.

Submissions (2):

Ambry Genetics
Classification: Likely benign for Inborn genetic diseases. Last evaluated: 2023-12-27. Review status: criteria provided, single submitter. Criteria: Ambry Variant Classification Scheme 2023. Collection method: clinical testing. Allele origin: germline.

Labcorp Genetics (formerly Invitae), Labcorp
Classification: Uncertain significance for Chédiak-Higashi syndrome. Last evaluated: 2022-10-24. Review status: criteria provided, single submitter. Criteria: Invitae Variant Classification Sherloc (09022015). Collection method: clinical testing. Allele origin: germline.
Comment: This sequence change replaces valine, which is neutral and non-polar, with isoleucine, which is neutral and non-polar, at codon 2340 of the LYST protein (p.Val2340Ile). This variant is present in population databases (rs540634120, gnomAD 0.02%). This variant has not been reported in the literature in individuals affected with LYST-related conditions. ClinVar contains an entry for this variant (Variation ID: 1044927). Advanced modeling of protein sequence and biophysical properties (such as structural, functional, and spatial information, amino acid conservation, physicochemical variation, residue mobility, and thermodynamic stability) performed at Invitae indicates that this missense variant is not expected to disrupt LYST protein function. In summary, the available evidence is currently insufficient to determine the role of this variant in disease. Therefore, it has been classified as a Variant of Uncertain Significance.